The following is an entry in ClinVar:

ClinVar aggregate classification (germline): Uncertain significance (1 of 4 stars; one submission).

Submission:

CeGaT Center for Human Genetics Tuebingen
Classification: Uncertain significance. Last evaluated: 2026-04-01. Review status: criteria provided, single submitter. Criteria: CeGaT Center For Human Genetics Tuebingen Variant Classification Criteria Version 2. Collection method: clinical testing. Allele origin: germline. Affected: yes. Observed: 1 variant allele.
Comment: SPTAN1: PM2

NM_001130438.3(SPTAN1):c.1849T>A (p.Phe617Ile)

Gene: SPTAN1 (spectrin alpha, non-erythrocytic 1; plus strand). Cytogenetic location: 9q34.11.
Variant type: single nucleotide variant.
Coding change: c.1849T>A on transcript NM_001130438.3 (MANE Select); coding-DNA position 1849, T replaced by A.
Protein change: p.Phe617Ile; replaces phenylalanine 617 with isoleucine.
Molecular consequence: missense variant.
Genome position (GRCh38, 1-based): chr9:128,583,119, T>A. VCF-style: chr9-128583119-T-A. GRCh37 (hg19) VCF-style: chr9-131345398-T-A.
Other names: c.1885T>A, p.Phe629Ile (NM_001375312.2, NM_001375318.1, NM_001438440.1); c.1849T>A, p.Phe617Ile (NM_001375313.1, NM_001375314.2, NM_001438441.1 and 10 more transcripts); short protein forms F617I, F629I.
Identifiers: ClinVar variation 4874480 (VCV004874480.2).